The following is an entry in ClinVar:

ClinVar aggregate classification (germline): Uncertain significance (1 of 4 stars; one submission).

Conditions:
Epilepsy, progressive myoclonic, 1B. Also called: PME. Identifiers: Orphanet 308, MedGen C2676254, MONDO:0012904, OMIM 612437.

Allele frequency attached by ClinVar (database versions not stated): gnomAD exomes below 0.00001; gnomAD 0.00001.
gnomAD v4.1: 5 of 1,613,998 alleles (0.00031%); highest among the groups gnomAD compares: African/African-American, 0.0053%; no homozygotes.

Submission:

Labcorp Genetics (formerly Invitae), Labcorp
Classification: Uncertain significance for Epilepsy, progressive myoclonic, 1B. Last evaluated: 2022-10-25. Review status: criteria provided, single submitter. Criteria: Invitae Variant Classification Sherloc (09022015). Collection method: clinical testing. Allele origin: germline.
Comment: This sequence change replaces glutamic acid, which is acidic and polar, with aspartic acid, which is acidic and polar, at codon 398 of the PRICKLE1 protein (p.Glu398Asp). This variant is not present in population databases (gnomAD no frequency). This variant has not been reported in the literature in individuals affected with PRICKLE1-related conditions. ClinVar contains an entry for this variant (Variation ID: 1450663). Advanced modeling of protein sequence and biophysical properties (such as structural, functional, and spatial information, amino acid conservation, physicochemical variation, residue mobility, and thermodynamic stability) performed at Invitae indicates that this missense variant is not expected to disrupt PRICKLE1 protein function. In summary, the available evidence is currently insufficient to determine the role of this variant in disease. Therefore, it has been classified as a Variant of Uncertain Significance.

NM_153026.3(PRICKLE1):c.1194G>T (p.Glu398Asp)

Genes: PRICKLE1 (prickle planar cell polarity protein 1; minus strand), LOC126861509 (BRD4-independent group 4 enhancer GRCh37_chr12:42858567-42859766; plus strand). Cytogenetic location: 12q12.
Variant type: single nucleotide variant.
Coding change: c.1194G>T on transcript NM_153026.3 (MANE Select); coding-DNA position 1194, G replaced by T.
Protein change: p.Glu398Asp; replaces glutamic acid 398 with aspartic acid.
Molecular consequence: missense variant.
Genome position (GRCh38, 1-based): chr12:42,464,840, C>A on the plus strand (G>T on the coding strand, the complement: PRICKLE1 is on the minus strand). VCF-style: chr12-42464840-C-A. GRCh37 (hg19) VCF-style: chr12-42858642-C-A.
Other names: c.1194G>T, p.Glu398Asp (NM_001144881.2, NM_001144882.2, NM_001144883.2); short protein forms E398D.
Identifiers: ClinVar variation 1450663 (VCV001450663.3), dbSNP rs1938024539, ClinGen allele CA384442254.